The following is an entry in ClinVar:

ClinVar aggregate classification (germline): Uncertain significance (1 of 4 stars; one submission).

Conditions:
Neurofibromatosis, type 1 (NF1). Also called: Peripheral type neurofibromatosis; NEUROFIBROMATOSIS, TYPE I, SOMATIC; Neurofibromatosis, type I; VON RECKLINGHAUSEN DISEASE. Identifiers: Orphanet 636, MedGen C0027831, MONDO:0018975, OMIM 162200. Disease mechanism: loss of function.

Submission:

Labcorp Genetics (formerly Invitae), Labcorp
Classification: Uncertain significance for Neurofibromatosis, type 1. Last evaluated: 2022-04-22. Review status: criteria provided, single submitter. Criteria: Invitae Variant Classification Sherloc (09022015). Collection method: clinical testing. Allele origin: germline.
Comment: In summary, the available evidence is currently insufficient to determine the role of this variant in disease. Therefore, it has been classified as a Variant of Uncertain Significance. This variant disrupts the p.Gln83 amino acid residue in NF1. Other variant(s) that disrupt this residue have been determined to be pathogenic (PMID: 23913538). This suggests that this residue is clinically significant, and that variants that disrupt this residue are likely to be disease-causing. Advanced modeling of protein sequence and biophysical properties (such as structural, functional, and spatial information, amino acid conservation, physicochemical variation, residue mobility, and thermodynamic stability) performed at Invitae indicates that this missense variant is not expected to disrupt NF1 protein function. This variant has not been reported in the literature in individuals affected with NF1-related conditions. This variant is not present in population databases (gnomAD no frequency). This sequence change replaces glutamine, which is neutral and polar, with lysine, which is basic and polar, at codon 83 of the NF1 protein (p.Gln83Lys).

Literature cited by the submitters: PubMed 23913538.

NM_001042492.3(NF1):c.247C>A (p.Gln83Lys)

Gene: NF1 (neurofibromin 1; plus strand). Cytogenetic location: 17q11.2.
Variant type: single nucleotide variant.
Coding change: c.247C>A on transcript NM_001042492.3 (MANE Select); coding-DNA position 247, C replaced by A.
Protein change: p.Gln83Lys; replaces glutamine 83 with lysine.
Molecular consequence: missense variant.
Genome position (GRCh38, 1-based): chr17:31,159,052, C>A. VCF-style: chr17-31159052-C-A. GRCh37 (hg19) VCF-style: chr17-29486070-C-A.
Other names: c.247C>A, p.Gln83Lys (NM_001128147.3, NM_000267.4); short protein forms Q83K.
Identifiers: ClinVar variation 2129190 (VCV002129190.4), dbSNP rs746824139, ClinGen allele CA398989653.